The following is an entry in ClinVar:

ClinVar aggregate classification (germline): Uncertain significance. Review status: criteria provided, multiple submitters, no conflicts (2 of 4 stars). 2 submissions from 2 submitters: Uncertain significance (2). Last evaluated 2025-08-01.

Allele frequency attached by ClinVar (database versions not stated): gnomAD 0.00001; gnomAD exomes 0.00001.
gnomAD v4.1: 15 of 1,613,484 alleles (0.00093%); highest among the groups gnomAD compares: Non-Finnish European, 0.0012%; no homozygotes.

Submissions (2):

Ambry Genetics
Classification: Uncertain significance. Last evaluated: 2025-08-01. Review status: criteria provided, single submitter. Criteria: Ambry Variant Classification Scheme 2023. Collection method: clinical testing. Allele origin: germline.

Labcorp Genetics (formerly Invitae), Labcorp
Classification: Uncertain significance. Last evaluated: 2021-08-14. Review status: criteria provided, single submitter. Criteria: Invitae Variant Classification Sherloc (09022015). Collection method: clinical testing. Allele origin: germline.
Comment: This sequence change replaces serine with proline at codon 188 of the HMOX1 protein (p.Ser188Pro). The serine residue is moderately conserved and there is a moderate physicochemical difference between serine and proline. This variant is not present in population databases (ExAC no frequency). This variant has not been reported in the literature in individuals affected with HMOX1-related conditions. Algorithms developed to predict the effect of missense changes on protein structure and function are either unavailable or do not agree on the potential impact of this missense change (SIFT: "Tolerated"; PolyPhen-2: "Possibly Damaging"; Align-GVGD: "Class C0"). In summary, the available evidence is currently insufficient to determine the role of this variant in disease. Therefore, it has been classified as a Variant of Uncertain Significance.

NM_002133.3(HMOX1):c.562T>C (p.Ser188Pro)

Gene: HMOX1 (heme oxygenase 1; plus strand). Cytogenetic location: 22q12.3.
Variant type: single nucleotide variant.
Coding change: c.562T>C on transcript NM_002133.3 (MANE Select); coding-DNA position 562, T replaced by C.
Protein change: p.Ser188Pro; replaces serine 188 with proline.
Molecular consequence: missense variant.
Genome position (GRCh38, 1-based): chr22:35,387,102, T>C. VCF-style: chr22-35387102-T-C. GRCh37 (hg19) VCF-style: chr22-35783095-T-C.
Other names: c.562T>C (NM_002133.2); short protein forms S188P.
Identifiers: ClinVar variation 1938602 (VCV001938602.3), dbSNP rs1465332069, ClinGen allele CA411353090.